The following is an entry in ClinVar:

ClinVar aggregate classification (germline): Conflicting classifications of pathogenicity. Review status: criteria provided, conflicting classifications (1 of 4 stars). 2 submissions from 2 submitters: Uncertain significance (1); Likely benign (1). Last evaluated 2024-02-14.

Conditions:
Erythrocytosis, familial, 3 (ECYT3). Identifiers: Orphanet 247511, MedGen C1853286, MONDO:0012353, OMIM 609820.

Submissions (2):

Ambry Genetics
Classification: Likely benign. Last evaluated: 2024-02-14. Review status: criteria provided, single submitter. Criteria: Ambry Variant Classification Scheme 2023. Collection method: clinical testing. Allele origin: germline.

Labcorp Genetics (formerly Invitae), Labcorp
Classification: Uncertain significance for Erythrocytosis, familial, 3. Last evaluated: 2023-09-17. Review status: criteria provided, single submitter. Criteria: Invitae Variant Classification Sherloc (09022015). Collection method: clinical testing. Allele origin: germline.
Comment: This variant is not present in population databases (gnomAD no frequency). This sequence change replaces aspartic acid, which is acidic and polar, with glutamic acid, which is acidic and polar, at codon 246 of the EGLN1 protein (p.Asp246Glu). This variant has not been reported in the literature in individuals affected with EGLN1-related conditions. ClinVar contains an entry for this variant (Variation ID: 1902316). An algorithm developed to predict the effect of missense changes on protein structure and function (PolyPhen-2) suggests that this variant is likely to be tolerated. In summary, the available evidence is currently insufficient to determine the role of this variant in disease. Therefore, it has been classified as a Variant of Uncertain Significance.

NM_022051.3(EGLN1):c.738C>G (p.Asp246Glu)

Gene: EGLN1 (egl-9 family hypoxia inducible factor 1; minus strand). Cytogenetic location: 1q42.2.
Variant type: single nucleotide variant.
Coding change: c.738C>G on transcript NM_022051.3 (MANE Select); coding-DNA position 738, C replaced by G.
Protein change: p.Asp246Glu; replaces aspartic acid 246 with glutamic acid.
Molecular consequence: missense variant.
Genome position (GRCh38, 1-based): chr1:231,421,151, G>C on the plus strand (C>G on the coding strand, the complement: EGLN1 is on the minus strand). VCF-style: chr1-231421151-G-C. GRCh37 (hg19) VCF-style: chr1-231556897-G-C.
Other names: c.738C>G, p.Asp246Glu (NM_001377260.1, NM_001377261.1); c.738C>G (NM_022051.2); short protein forms D246E.
Identifiers: ClinVar variation 1902316 (VCV001902316.6), dbSNP rs376001204, ClinGen allele CA345235505.
Genomic context (GRCh38, chr1:231,421,151, plus strand): 5'-GCAGCCGGGCTCCTTGCCCTCGATCCAGGTGATCTTATCGCCTCGGATGTCCTTGGACGA[G>C]TCACTCTTCTGGCTGACCAGCTGCCCGTCCGTGAACTTCCCGGTGTCGTGCAGGGCGCGC-3'
Protein context (NP_071334.1, residues 236-256): TDGQLVSQKS[Asp246Glu]SSKDIRGDKI